The following is an entry in ClinVar:

ClinVar aggregate classification (germline): Uncertain significance (1 of 4 stars; one submission).

Conditions:
Peroxisome biogenesis disorder 11A (Zellweger). Also called: Peroxisome biogenesis disorder 11A. Identifiers: Orphanet 912, MedGen C3554000, MONDO:0013949, OMIM 614883.

Allele frequency attached by ClinVar (database versions not stated): TOPMed below 0.00001.

Submission:

Labcorp Genetics (formerly Invitae), Labcorp
Classification: Uncertain significance for Peroxisome biogenesis disorder 11A (Zellweger). Last evaluated: 2022-04-21. Review status: criteria provided, single submitter. Criteria: Invitae Variant Classification Sherloc (09022015). Collection method: clinical testing. Allele origin: germline.
Comment: This sequence change replaces phenylalanine, which is neutral and non-polar, with serine, which is neutral and polar, at codon 140 of the PEX13 protein (p.Phe140Ser). This variant is not present in population databases (gnomAD no frequency). This variant has not been reported in the literature in individuals affected with PEX13-related conditions. Algorithms developed to predict the effect of missense changes on protein structure and function (SIFT, PolyPhen-2, Align-GVGD) all suggest that this variant is likely to be disruptive. In summary, the available evidence is currently insufficient to determine the role of this variant in disease. Therefore, it has been classified as a Variant of Uncertain Significance.

NM_002618.4(PEX13):c.419T>C (p.Phe140Ser)

Gene: PEX13 (peroxisomal biogenesis factor 13; plus strand). Cytogenetic location: 2p15.
Variant type: single nucleotide variant.
Coding change: c.419T>C on transcript NM_002618.4 (MANE Select); coding-DNA position 419, T replaced by C.
Protein change: p.Phe140Ser; replaces phenylalanine 140 with serine.
Molecular consequence: missense variant.
Genome position (GRCh38, 1-based): chr2:61,031,745, T>C. VCF-style: chr2-61031745-T-C. GRCh37 (hg19) VCF-style: chr2-61258880-T-C.
Other names: short protein forms F140S.
Identifiers: ClinVar variation 2127062 (VCV002127062.1), dbSNP rs1264996056, ClinGen allele CA346942603.